The following is an entry in ClinVar:

ClinVar aggregate classification (germline): Uncertain significance (1 of 4 stars; one submission).

Conditions:
Microcephaly-intellectual disability-sensorineural hearing loss-epilepsy-abnormal muscle tone syndrome (NEDHSB). Also called: NEURODEVELOPMENTAL DISORDER WITH HEARING LOSS, SEIZURES, AND BRAIN ABNORMALITIES. Identifiers: Orphanet 457351, MedGen C4225276, MONDO:0014698, OMIM 616577.

Allele frequency attached by ClinVar (database versions not stated): gnomAD exomes below 0.00001 and 0.00001; gnomAD 0.00001; TOPMed 0.00001; ExAC 0.00002; ESP Exome Variant Server 0.00008.
gnomAD v4.1: 3 of 1,613,584 alleles (0.00019%); highest among the groups gnomAD compares: Non-Finnish European, 0.00025%; no homozygotes.

Submission:

Labcorp Genetics (formerly Invitae), Labcorp
Classification: Uncertain significance for Microcephaly-intellectual disability-sensorineural hearing loss-epilepsy-abnormal muscle tone syndrome. Last evaluated: 2022-06-20. Review status: criteria provided, single submitter. Criteria: Invitae Variant Classification Sherloc (09022015). Collection method: clinical testing. Allele origin: germline.
Comment: This variant is present in population databases (rs372665187, gnomAD 0.007%). This sequence change replaces alanine, which is neutral and non-polar, with valine, which is neutral and non-polar, at codon 117 of the SPATA5 protein (p.Ala117Val). This variant has not been reported in the literature in individuals affected with SPATA5-related conditions. Advanced modeling of protein sequence and biophysical properties (such as structural, functional, and spatial information, amino acid conservation, physicochemical variation, residue mobility, and thermodynamic stability) performed at Invitae indicates that this missense variant is not expected to disrupt SPATA5 protein function. Algorithms developed to predict the effect of sequence changes on RNA splicing suggest that this variant may create or strengthen a splice site. In summary, the available evidence is currently insufficient to determine the role of this variant in disease. Therefore, it has been classified as a Variant of Uncertain Significance.

NM_145207.3(AFG2A):c.350C>T (p.Ala117Val)

Gene: AFG2A (AFG2 AAA ATPase homolog A; plus strand). Cytogenetic location: 4q28.1.
Variant type: single nucleotide variant.
Coding change: c.350C>T on transcript NM_145207.3 (MANE Select); coding-DNA position 350, C replaced by T.
Protein change: p.Ala117Val; replaces alanine 117 with valine.
Molecular consequence: missense variant.
Genome position (GRCh38, 1-based): chr4:122,929,101, C>T. VCF-style: chr4-122929101-C-T. GRCh37 (hg19) VCF-style: chr4-123850256-C-T.
Other names: c.347C>T, p.Ala116Val (NM_001317799.2, NM_001345856.2); short protein forms A116V, A117V.
Identifiers: ClinVar variation 1482365 (VCV001482365.6), dbSNP rs372665187, ClinGen allele CA3070196.